The following is an entry in ClinVar:

ClinVar aggregate classification (germline): Uncertain significance (1 of 4 stars; one submission).

Conditions:
X-linked agammaglobulinemia with growth hormone deficiency (IGHD3). Also called: FLEISHER SYNDROME; ISOLATED GROWTH HORMONE DEFICIENCY, TYPE III, WITH AGAMMAGLOBULINEMIA; HYPOGAMMAGLOBULINEMIA AND ISOLATED GROWTH HORMONE DEFICIENCY, X-LINKED; IGHD III; AGAMMAGLOBULINEMIA AND ISOLATED GROWTH HORMONE DEFICIENCY, X-LINKED; Isolated growth hormone deficiency type 3. Identifiers: Orphanet 231692, Orphanet 631, MedGen C0472813, MONDO:0010615, OMIM 307200.

Submission:

Labcorp Genetics (formerly Invitae), Labcorp
Classification: Uncertain significance for X-linked agammaglobulinemia with growth hormone deficiency. Last evaluated: 2020-12-20. Review status: criteria provided, single submitter. Criteria: Invitae Variant Classification Sherloc (09022015). Collection method: clinical testing. Allele origin: germline.
Comment: In summary, the available evidence is currently insufficient to determine the role of this variant in disease. Therefore, it has been classified as a Variant of Uncertain Significance. Nucleotide substitutions within the consensus splice site are a relatively common cause of aberrant splicing (PMID: 17576681, 9536098). Algorithms developed to predict the effect of sequence changes on RNA splicing suggest that this variant may disrupt the consensus splice site, but this prediction has not been confirmed by published transcriptional studies. This variant has not been reported in the literature in individuals with BTK-related conditions. This variant is not present in population databases (ExAC no frequency). This sequence change falls in intron 14 of the BTK gene. It does not directly change the encoded amino acid sequence of the BTK protein. It affects a nucleotide within the consensus splice site of the intron.

Literature cited by the submitters: PubMed 17576681; PubMed 9536098.

NM_000061.3(BTK):c.1349+2dup

Gene: BTK (Bruton tyrosine kinase; minus strand). Cytogenetic location: Xq22.1.
Variant type: Duplication.
Coding change: c.1349+2dup on transcript NM_000061.3 (MANE Select); the canonical splice donor site of the intron after coding-DNA position 1349, one base duplicated (T; older notation c.1349+2dupT).
Molecular consequence: splice donor variant. On other transcripts: intron variant (1).
Genome position (GRCh38, 1-based): chrX:101,356,782, A duplicated on the plus strand (T on the coding strand, the reverse complement: BTK is on the minus strand). VCF-style (leftmost placement, unchanged base first): chrX-101356781-C-CA. GRCh37 (hg19) VCF-style: chrX-100611769-C-CA.
Other names: c.1451+2dup (NM_001287344.2); c.1038+1592dup (NM_001287345.2).
Identifiers: ClinVar variation 1398645 (VCV001398645.6), dbSNP rs2147428153, ClinGen allele CA2573159071.